The following is an entry in ClinVar:

ClinVar aggregate classification (germline): Uncertain significance (1 of 4 stars; one submission).

Submission:

GeneDx
Classification: Uncertain significance. Last evaluated: 2025-06-05. Review status: criteria provided, single submitter. Criteria: GeneDx Variant Classification Process June 2021. Collection method: clinical testing. Allele origin: germline. Affected: yes.
Comment: Not observed at significant frequency in large population cohorts (gnomAD); In silico analysis supports that this missense variant has a deleterious effect on protein structure/function; Has not been previously published as pathogenic or benign to our knowledge

NM_057175.5(NAA15):c.1430A>G (p.Glu477Gly)

Gene: NAA15 (N-alpha-acetyltransferase 15, NatA auxiliary subunit; plus strand). Cytogenetic location: 4q31.1.
Variant type: single nucleotide variant.
Coding change: c.1430A>G on transcript NM_057175.5 (MANE Select); coding-DNA position 1430, A replaced by G.
Protein change: p.Glu477Gly; replaces glutamic acid 477 with glycine.
Molecular consequence: missense variant.
Genome position (GRCh38, 1-based): chr4:139,360,519, A>G. VCF-style: chr4-139360519-A-G. GRCh37 (hg19) VCF-style: chr4-140281673-A-G.
Other names: c.1430A>G, p.Glu477Gly (NM_001410842.1); short protein forms E477G.
Identifiers: ClinVar variation 4536408 (VCV004536408.1).